The following is an entry in ClinVar:

NM_004239.4(TRIP11):c.*930C>T

Gene: TRIP11 (thyroid hormone receptor interactor 11; minus strand). Cytogenetic location: 14q32.12.
Variant type: single nucleotide variant.
Coding change: c.*930C>T on transcript NM_004239.4 (MANE Select); 930 bases downstream of the stop codon, C replaced by T.
Molecular consequence: 3 prime UTR variant.
Genome position (GRCh38, 1-based): chr14:91,968,743, G>A on the plus strand (C>T on the coding strand, the complement: TRIP11 is on the minus strand). VCF-style: chr14-91968743-G-A. GRCh37 (hg19) VCF-style: chr14-92435087-G-A.
Other names: c.*930C>T (NM_001321851.1).
Identifiers: ClinVar variation 314903 (VCV000314903.5), dbSNP rs74071653, ClinGen allele CA10646568.

ClinVar aggregate classification (germline): Benign (1 of 4 stars; one submission).

Conditions:
Achondrogenesis, type IA (ACG1A). Identifiers: Orphanet 932, Orphanet 93299, MedGen C0265273, MONDO:0008701, OMIM 200600.

Allele frequency attached by ClinVar (database versions not stated): gnomAD exomes 0.00277; gnomAD 0.01332; TOPMed 0.01440; 1000 Genomes Project 0.01837; 1000 Genomes Project 30x 0.01952.
gnomAD v4.1: 2,237 of 228,368 alleles (0.98%); highest among the groups gnomAD compares: African/African-American, 4.5%; 33 homozygotes.

Submission:

Illumina Laboratory Services, Illumina
Classification: Benign for Achondrogenesis, type IA. Last evaluated: 2018-01-13. Review status: criteria provided, single submitter. Criteria: ICSL Variant Classification Criteria 13 December 2019. Collection method: clinical testing. Allele origin: germline.
Comment: This variant was observed in the ICSL laboratory as part of a predisposition screen in an ostensibly healthy population. It had not been previously curated by ICSL or reported in the Human Gene Mutation Database (HGMD: prior to June 1st, 2018), and was therefore a candidate for classification through an automated scoring system. Utilizing variant allele frequency, disease prevalence and penetrance estimates, and inheritance mode, an automated score was calculated to assess if this variant is too frequent to cause the disease. Based on the score and internal cut-off values, a variant classified as benign is not then subjected to further curation. The score for this variant resulted in a classification of benign for this disease.